The following is an entry in ClinVar:

NM_032043.3(BRIP1):c.759C>G (p.His253Gln)

Gene: BRIP1 (BRCA1 interacting DNA helicase 1; minus strand). Cytogenetic location: 17q23.2.
Variant type: single nucleotide variant.
Coding change: c.759C>G on transcript NM_032043.3 (MANE Select); coding-DNA position 759, C replaced by G.
Protein change: p.His253Gln; replaces histidine 253 with glutamine.
Molecular consequence: missense variant.
Genome position (GRCh38, 1-based): chr17:61,808,626, G>C on the plus strand (C>G on the coding strand, the complement: BRIP1 is on the minus strand). VCF-style: chr17-61808626-G-C. GRCh37 (hg19) VCF-style: chr17-59885987-G-C.
Other names: short protein forms H253Q.
Identifiers: ClinVar variation 2102631 (VCV002102631.9), dbSNP rs2145418046, ClinGen allele CA400484971.

ClinVar aggregate classification (germline): Uncertain significance. Review status: criteria provided, multiple submitters, no conflicts (2 of 4 stars). 4 submissions from 4 submitters: Uncertain significance (4). Last evaluated 2024-09-28.

Conditions:
Hereditary cancer-predisposing syndrome. Also called: Hereditary Cancer Syndrome; Tumor predisposition; Neoplastic Syndromes, Hereditary; Hereditary neoplastic syndrome. Identifiers: Orphanet 140162, MedGen C0027672, MeSH D009386, MONDO:0015356.
Familial cancer of breast. Also called: Hereditary breast cancer; BREAST CANCER, FAMILIAL; hereditary breast carcinoma. Identifiers: Orphanet 227535, MedGen C0346153, MONDO:0016419, OMIM 114480. Disease mechanism: loss of function.
Fanconi anemia complementation group J. Also called: BRIP1-Related Fanconi Anemia. Identifiers: Orphanet 84, MedGen C1836860, MONDO:0012187, OMIM 609054.

Submissions (4):

GeneDx
Classification: Uncertain significance. Last evaluated: 2024-09-28. Review status: criteria provided, single submitter. Criteria: GeneDx Variant Classification Process June 2021. Collection method: clinical testing. Allele origin: germline. Affected: yes.
Comment: Not observed at significant frequency in large population cohorts (gnomAD); In silico analysis supports that this missense variant has a deleterious effect on protein structure/function; Has not been previously published as pathogenic or benign in association with a BRIP1-related disorder to our knowledge; This variant is associated with the following publications: (PMID: 36243179)

Color Diagnostics, LLC DBA Color Health
Classification: Uncertain significance for Hereditary cancer-predisposing syndrome. Last evaluated: 2023-03-06. Review status: criteria provided, single submitter. Criteria: ACMG Guidelines, 2015. Collection method: clinical testing. Allele origin: germline.
Comment: This missense variant replaces histidine with glutamine at codon 253 of the BRIP1 protein. Computational prediction is inconclusive regarding the impact of this variant on protein structure and function (internally defined REVEL score threshold 0.5 < inconclusive < 0.7, PMID: 27666373). To our knowledge, functional studies have not been reported for this variant. This variant has not been reported in individuals affected with BRIP1-related disorders in the literature. This variant has not been identified in the general population by the Genome Aggregation Database (gnomAD). The available evidence is insufficient to determine the role of this variant in disease conclusively. Therefore, this variant is classified as a Variant of Uncertain Significance.

Ambry Genetics
Classification: Uncertain significance for Hereditary cancer-predisposing syndrome. Last evaluated: 2023-01-28. Review status: criteria provided, single submitter. Criteria: Ambry Variant Classification Scheme 2023. Collection method: clinical testing. Allele origin: germline.
Comment: The p.H253Q variant (also known as c.759C>G), located in coding exon 6 of the BRIP1 gene, results from a C to G substitution at nucleotide position 759. The histidine at codon 253 is replaced by glutamine, an amino acid with highly similar properties. This amino acid position is conserved. In addition, this alteration is predicted to be deleterious by in silico analysis. Since supporting evidence is limited at this time, the clinical significance of this alteration remains unclear.

Labcorp Genetics (formerly Invitae), Labcorp
Classification: Uncertain significance for Familial cancer of breast; Fanconi anemia complementation group J. Last evaluated: 2022-07-08. Review status: criteria provided, single submitter. Criteria: Invitae Variant Classification Sherloc (09022015). Collection method: clinical testing. Allele origin: germline.
Comment: In summary, the available evidence is currently insufficient to determine the role of this variant in disease. Therefore, it has been classified as a Variant of Uncertain Significance. Advanced modeling of protein sequence and biophysical properties (such as structural, functional, and spatial information, amino acid conservation, physicochemical variation, residue mobility, and thermodynamic stability) performed at Invitae indicates that this missense variant is expected to disrupt BRIP1 protein function. This variant has not been reported in the literature in individuals affected with BRIP1-related conditions. This variant is not present in population databases (gnomAD no frequency). This sequence change replaces histidine, which is basic and polar, with glutamine, which is neutral and polar, at codon 253 of the BRIP1 protein (p.His253Gln).